The following is an entry in ClinVar:

NM_005609.4(PYGM):c.1491C>A (p.Asn497Lys)

Gene: PYGM (glycogen phosphorylase, muscle associated; minus strand). Cytogenetic location: 11q13.1.
Variant type: single nucleotide variant.
Coding change: c.1491C>A on transcript NM_005609.4 (MANE Select); coding-DNA position 1491, C replaced by A.
Protein change: p.Asn497Lys; replaces asparagine 497 with lysine.
Molecular consequence: missense variant.
Genome position (GRCh38, 1-based): chr11:64,753,100, G>T on the plus strand (C>A on the coding strand, the complement: PYGM is on the minus strand). VCF-style: chr11-64753100-G-T. GRCh37 (hg19) VCF-style: chr11-64520572-G-T.
Other names: c.1227C>A, p.Asn409Lys (NM_001164716.1); short protein forms N409K, N497K.
Identifiers: ClinVar variation 3902131 (VCV003902131.1).
Genomic context (GRCh38, chr11:64,753,100, plus strand): 5'-GTTGACTCTACTGGCCCTACGGTGGCCTCTCACCTCAGCAATGACCTCTGCCAGCCCGGG[G>T]TTACACAGAACCAGCCAGCGCCGAGGGGTGATGCCGTTGGTCTTATTCTGGAACTTATGA-3'
Protein context (NP_005600.1, residues 487-507): ITPRRWLVLC[Asn497Lys]PGLAEVIAER

ClinVar aggregate classification (germline): Uncertain significance (1 of 4 stars; one submission).

gnomAD v4.1: 4 of 1,613,746 alleles (0.00025%); highest among the groups gnomAD compares: Non-Finnish European, 0.00034%; no homozygotes.

Submission:

Women's Health and Genetics/Laboratory Corporation of America, LabCorp
Classification: Uncertain significance. Last evaluated: 2025-05-19. Review status: criteria provided, single submitter. Criteria: LabCorp Variant Classification Summary - May 2015. Collection method: clinical testing. Allele origin: germline.
Comment: Variant summary: PYGM c.1491C>A (p.Asn497Lys) results in a non-conservative amino acid change in the encoded protein sequence. Algorithms developed to predict the effect of missense changes on protein structure and function all suggest that this variant is likely to be disruptive. The variant was absent in 251472 control chromosomes. The available data on variant occurrences in the general population are insufficient to allow any conclusion about variant significance. c.1491C>A has been observed in individual(s) affected with McArdle disease (Krenn_2024). These report(s) do not provide unequivocal conclusions about association of the variant with Glycogen Storage Disease, Type V. To our knowledge, no experimental evidence demonstrating an impact on protein function has been reported. No submitters have cited clinical-significance assessments for this variant to ClinVar. The following publication has been ascertained in the context of this evaluation (PMID: 38127101). Based on the evidence outlined above, the variant was classified as uncertain significance.

Literature cited by the submitters: PubMed 38127101.